The following is an entry in ClinVar:

NM_001283009.2(RTEL1):c.592G>A (p.Val198Ile)

Genes: RTEL1 (regulator of telomere elongation helicase 1; plus strand), RTEL1-TNFRSF6B (RTEL1-TNFRSF6B readthrough (NMD candidate); plus strand). Cytogenetic location: 20q13.33.
Variant type: single nucleotide variant.
Coding change: c.592G>A on transcript NM_001283009.2 (MANE Select); coding-DNA position 592, G replaced by A.
Protein change: p.Val198Ile; replaces valine 198 with isoleucine.
Molecular consequence: missense variant. On other transcripts: non-coding transcript variant (1), 5 prime UTR variant (1).
Genome position (GRCh38, 1-based): chr20:63,666,057, G>A. VCF-style: chr20-63666057-G-A. GRCh37 (hg19) VCF-style: chr20-62297410-G-A.
Other names: c.-78G>A (NM_001283010.1); c.592G>A, p.Val198Ile (NM_016434.4); c.664G>A, p.Val222Ile (NM_032957.5); short protein forms V198I, V222I.
Identifiers: ClinVar variation 4827701 (VCV004827701.1).

ClinVar aggregate classification (germline): Uncertain significance (1 of 4 stars; one submission).

Conditions:
Inborn genetic diseases. Identifiers: MedGen C0950123, MeSH D030342.

Submission:

Ambry Genetics
Classification: Uncertain significance for Inborn genetic diseases. Last evaluated: 2026-02-24. Review status: criteria provided, single submitter. Criteria: Ambry Variant Classification Scheme 2023. Collection method: clinical testing. Allele origin: germline.
Comment: The p.V198I variant (also known as c.592G>A), located in coding exon 6 of the RTEL1 gene, results from a G to A substitution at nucleotide position 592. The valine at codon 198 is replaced by isoleucine, an amino acid with highly similar properties. This amino acid position is conserved. In addition, this alteration is predicted to be tolerated by in silico analysis. Based on the available evidence, the clinical significance of this variant remains unclear.